The following is an entry in ClinVar:

ClinVar aggregate classification (germline): Uncertain significance (1 of 4 stars; one submission).

Conditions:
Rhabdoid tumor predisposition syndrome 2 (RTPS2). Identifiers: Orphanet 231108, Orphanet 69077, MedGen C2750074, MONDO:0013224, OMIM 613325.

Submission:

Labcorp Genetics (formerly Invitae), Labcorp
Classification: Uncertain significance for Rhabdoid tumor predisposition syndrome 2. Last evaluated: 2022-05-06. Review status: criteria provided, single submitter. Criteria: Invitae Variant Classification Sherloc (09022015). Collection method: clinical testing. Allele origin: germline.
Comment: This sequence change replaces alanine, which is neutral and non-polar, with valine, which is neutral and non-polar, at codon 317 of the SMARCA4 protein (p.Ala317Val). Information on the frequency of this variant in the gnomAD database is not available, as this variant may be reported differently in the database. This variant has not been reported in the literature in individuals affected with SMARCA4-related conditions. Algorithms developed to predict the effect of missense changes on protein structure and function are either unavailable or do not agree on the potential impact of this missense change (SIFT: "Not Available"; PolyPhen-2: "Benign"; Align-GVGD: "Not Available"). In summary, the available evidence is currently insufficient to determine the role of this variant in disease. Therefore, it has been classified as a Variant of Uncertain Significance.

NM_003072.5(SMARCA4):c.950_951delinsTT (p.Ala317Val)

Gene: SMARCA4 (SWI/SNF related BAF chromatin remodeling complex subunit ATPase 4; plus strand). Cytogenetic location: 19p13.2.
Variant type: Indel.
Coding change: c.950_951delinsTT on transcript NM_003072.5 (MANE Select); coding-DNA positions 950 to 951, CC replaced by TT.
Protein change: p.Ala317Val; replaces alanine 317 with valine.
Molecular consequence: missense variant. On other transcripts: non-coding transcript variant (1).
Genome position (GRCh38, 1-based): chr19:10,987,756-10,987,757, CC replaced by TT. VCF-style: chr19-10987756-CC-TT. GRCh37 (hg19) VCF-style: chr19-11098432-CC-TT.
Other names: c.950_951delinsTT, p.Ala317Val (NM_001128844.3, NM_001128845.2, NM_001128846.2 and 5 more transcripts); c.950_951delCCinsTT, p.Ala317Val (NM_001411150.1); short protein forms A317V.
Identifiers: ClinVar variation 2134733 (VCV002134733.4), dbSNP rs2514043453, ClinGen allele CA2580096330.